The following is an entry in ClinVar:

NM_001379200.1(TBX1):c.274G>A (p.Ala92Thr)

Gene: TBX1 (T-box transcription factor 1; plus strand). Cytogenetic location: 22q11.21.
Variant type: single nucleotide variant.
Coding change: c.274G>A on transcript NM_001379200.1 (MANE Select); coding-DNA position 274, G replaced by A.
Protein change: p.Ala92Thr; replaces alanine 92 with threonine.
Molecular consequence: missense variant.
Genome position (GRCh38, 1-based): chr22:19,761,117, G>A. VCF-style: chr22-19761117-G-A. GRCh37 (hg19) VCF-style: chr22-19748640-G-A.
Other names: c.247G>A, p.Ala83Thr (NM_005992.1, NM_080646.2, NM_080647.1); short protein forms A83T, A92T.
Identifiers: ClinVar variation 4615061 (VCV004615061.1).

ClinVar aggregate classification (germline): Uncertain significance (1 of 4 stars; one submission).

Conditions:
Cardiovascular phenotype. Identifiers: MedGen CN230736.

Submission:

Ambry Genetics
Classification: Uncertain significance for Cardiovascular phenotype. Last evaluated: 2025-11-10. Review status: criteria provided, single submitter. Criteria: Ambry Variant Classification Scheme 2023. Collection method: clinical testing. Allele origin: germline.
Comment: The p.A83T variant (also known as c.247G>A), located in coding exon 2 of the TBX1 gene, results from a G to A substitution at nucleotide position 247. The alanine at codon 83 is replaced by threonine, an amino acid with similar properties. This amino acid position is conserved. In addition, this alteration is predicted to be tolerated by in silico analysis. Based on the available evidence, the clinical significance of this variant remains unclear.